The following is an entry in ClinVar:

ClinVar aggregate classification (germline): Conflicting classifications of pathogenicity. Review status: criteria provided, conflicting classifications (1 of 4 stars). 2 submissions from 2 submitters: Uncertain significance (1); Benign (1). Last evaluated 2025-01-31.

Conditions:
Inborn genetic diseases. Identifiers: MedGen C0950123, MeSH D030342.

Submissions (2):

Ambry Genetics
Classification: Uncertain significance for Inborn genetic diseases. Last evaluated: 2025-01-31. Review status: criteria provided, single submitter. Criteria: Ambry Variant Classification Scheme 2023. Collection method: clinical testing. Allele origin: germline.
Comment: The p.P94S variant (also known as c.280C>T), located in coding exon 5 of the ASXL1 gene, results from a C to T substitution at nucleotide position 280. The proline at codon 94 is replaced by serine, an amino acid with similar properties. This amino acid position is conserved. In addition, this alteration is predicted to be tolerated by in silico analysis. Based on the available evidence, the clinical significance of this variant remains unclear.

Labcorp Genetics (formerly Invitae), Labcorp
Classification: Benign. Last evaluated: 2022-11-02. Review status: criteria provided, single submitter. Criteria: Invitae Variant Classification Sherloc (09022015). Collection method: clinical testing. Allele origin: germline.

NM_015338.6(ASXL1):c.280C>T (p.Pro94Ser)

Gene: ASXL1 (ASXL transcriptional regulator 1; plus strand). Cytogenetic location: 20q11.21.
Variant type: single nucleotide variant.
Coding change: c.280C>T on transcript NM_015338.6 (MANE Select); coding-DNA position 280, C replaced by T.
Protein change: p.Pro94Ser; replaces proline 94 with serine.
Molecular consequence: missense variant.
Genome position (GRCh38, 1-based): chr20:32,428,155, C>T. VCF-style: chr20-32428155-C-T. GRCh37 (hg19) VCF-style: chr20-31015958-C-T.
Other names: c.250C>T, p.Pro84Ser (NM_001363734.1); short protein forms P84S, P94S.
Identifiers: ClinVar variation 1719179 (VCV001719179.7), dbSNP rs2011386312, ClinGen allele CA408551375.